The following is an entry in ClinVar:

NM_025153.3(ATP10B):c.2011G>A (p.Gly671Arg)

Gene: ATP10B (ATPase phospholipid transporting 10B (putative); minus strand). Cytogenetic location: 5q34.
Variant type: single nucleotide variant.
Coding change: c.2011G>A on transcript NM_025153.3 (MANE Select); coding-DNA position 2011, G replaced by A.
Protein change: p.Gly671Arg; replaces glycine 671 with arginine.
Molecular consequence: missense variant.
Genome position (GRCh38, 1-based): chr5:160,620,752, C>T on the plus strand (G>A on the coding strand, the complement: ATP10B is on the minus strand). VCF-style: chr5-160620752-C-T. GRCh37 (hg19) VCF-style: chr5-160047759-C-T.
Other names: c.2011G>A, p.Gly671Arg (NM_001366652.1, NM_001366655.1); c.1975G>A, p.Gly659Arg (NM_001366657.1); c.1927G>A, p.Gly643Arg (NM_001410822.1); short protein forms G643R, G659R, G671R.
Identifiers: ClinVar variation 2656015 (VCV002656015.24), dbSNP rs61734666, ClinGen allele CA3542612.

ClinVar aggregate classification (germline): Benign (1 of 4 stars; one submission).

Allele frequency attached by ClinVar (database versions not stated): 1000 Genomes Project 30x 0.00874; 1000 Genomes Project 0.00938; ExAC 0.01520; gnomAD 0.01527; TOPMed 0.01580; ESP Exome Variant Server 0.01645; gnomAD exomes 0.02050.
gnomAD v4.1: 32,346 of 1,614,220 alleles (2%); highest among the groups gnomAD compares: Middle Eastern, 3.9%; 366 homozygotes.

Submission:

CeGaT Center for Human Genetics Tuebingen
Classification: Benign. Last evaluated: 2023-01-01. Review status: criteria provided, single submitter. Criteria: CeGaT Center For Human Genetics Tuebingen Variant Classification Criteria Version 2. Collection method: clinical testing. Allele origin: germline. Affected: yes. Observed: 1 variant allele.
Comment: ATP10B: BP4, BS1, BS2